The following is an entry in ClinVar:

GRCh37/hg19 15q11.2-13.1(chr15:25220080-28566589)x1

Genes: PWAR4 (Prader Willi/Angelman region RNA 4; plus strand), PWAR5 (Prader Willi/Angelman region RNA 5; plus strand), PWAR1 (Prader Willi/Angelman region RNA 1; plus strand), ATP10A (ATPase phospholipid transporting 10A (putative); minus strand), GABRA5 (gamma-aminobutyric acid type A receptor subunit alpha5; plus strand) and 12 more. Cytogenetic location: 15q11.2-13.1.
Variant type: copy number loss.
Change: copy number 1 (one copy instead of two) of chr15:25,220,080-28,566,589 (3.35 Mb, GRCh37 coordinates, 1-based), cytogenetic band 15q11.2-13.1.
Identifiers: ClinVar variation 4891000 (VCV004891000.1).

ClinVar aggregate classification (germline): Pathogenic (1 of 4 stars; one submission).

Conditions:
Angelman syndrome (AS). Also called: HAPPY PUPPET SYNDROME. Identifiers: Orphanet 72, MedGen C0162635, MONDO:0007113, OMIM 105830. Disease mechanism: loss of function. Inheritance: AS is caused by disruption of maternally imprinted UBE3A located within the 15q11.2-q13 Angelman syndrome/Prader-Willi syndrome (AS/PWS) region., imprinting disorder.

Submission:

Pediatric Department, Peking University First Hospital
Classification: Pathogenic for Angelman syndrome. Last evaluated: 2025-12-10. Review status: criteria provided, single submitter. Criteria: ACMG/ClinGen CNV Guidelines, 2019. Collection method: clinical testing. Allele origin: de novo. Inheritance: Autosomal dominant inheritance with maternal imprinting. Affected: yes.
Comment: This 3.34 Mb deletion at 15q11.2-q13.1 (GRCh37: chr15:25,220,080-28,566,589) contains multiple protein-coding and functionally important elements and fully encompasses UBE3A, an established haploinsufficient gene with sufficient evidence for dosage sensitivity (ClinGen HI score = 3). According to the 2019 ACMG/ClinGen CNV interpretation guidelines, complete overlap of an established haploinsufficient gene meets criterion 2A (+1.00 point), reaching the threshold for a pathogenic classification. Therefore, this copy-number loss is classified as pathogenic. The deletion also overlaps the imprinted 15q11.2-q13 Prader-Willi/Angelman syndrome region; its phenotypic consequence depends on the parent of origin.